The following is an entry in ClinVar:

ClinVar aggregate classification (germline): Uncertain significance. Review status: criteria provided, multiple submitters, no conflicts (2 of 4 stars). 3 submissions from 3 submitters: Uncertain significance (3). Last evaluated 2025-06-30.

Conditions:
Telangiectasia, hereditary hemorrhagic, type 2 (HHT2). Also called: Telangiectasia, hereditary hemorrhagic, type II; ACVRL1-Related Hereditary Hemorrhagic Telangiectasia. Identifiers: Orphanet 774, MedGen C1838163, MONDO:0010880, OMIM 600376. Disease mechanism: loss of function.
Cardiovascular phenotype. Identifiers: MedGen CN230736.

Allele frequency attached by ClinVar (database versions not stated): gnomAD 0.00001; TOPMed 0.00003.
gnomAD v4.1: 26 of 1,607,026 alleles (0.0016%); highest among the groups gnomAD compares: East Asian, 0.0022%; no homozygotes.

Submissions (3):

GeneDx
Classification: Uncertain significance. Last evaluated: 2025-06-30. Review status: criteria provided, single submitter. Criteria: GeneDx Variant Classification Process June 2021. Collection method: clinical testing. Allele origin: germline. Affected: yes.
Comment: Not observed at significant frequency in large population cohorts (gnomAD); In silico analysis supports that this missense variant has a deleterious effect on protein structure/function; Has not been previously published as pathogenic or benign to our knowledge

Labcorp Genetics (formerly Invitae), Labcorp
Classification: Uncertain significance for Telangiectasia, hereditary hemorrhagic, type 2. Last evaluated: 2023-11-22. Review status: criteria provided, single submitter. Criteria: Invitae Variant Classification Sherloc (09022015). Collection method: clinical testing. Allele origin: germline.
Comment: This sequence change replaces glutamic acid, which is acidic and polar, with lysine, which is basic and polar, at codon 83 of the ACVRL1 protein (p.Glu83Lys). The frequency data for this variant in the population databases is considered unreliable, as metrics indicate poor data quality at this position in the gnomAD database. This missense change has been observed in individual(s) with pulmonary arterial hypertension (Invitae). ClinVar contains an entry for this variant (Variation ID: 1791899). Advanced modeling of protein sequence and biophysical properties (such as structural, functional, and spatial information, amino acid conservation, physicochemical variation, residue mobility, and thermodynamic stability) has been performed at Invitae for this missense variant, however the output from this modeling did not meet the statistical confidence thresholds required to predict the impact of this variant on ACVRL1 protein function. In summary, the available evidence is currently insufficient to determine the role of this variant in disease. Therefore, it has been classified as a Variant of Uncertain Significance.

Ambry Genetics
Classification: Uncertain significance for Cardiovascular phenotype. Last evaluated: 2015-09-29. Review status: criteria provided, single submitter. Criteria: Ambry Variant Classification Scheme 2023. Collection method: clinical testing. Allele origin: germline.
Comment: The p.E83K variant (also known as c.247G>A), located in coding exon 2 of the ACVRL1 gene, results from a G to A substitution at nucleotide position 247. The glutamic acid at codon 83 is replaced by lysine, an amino acid with similar properties. This variant was previously reported in the SNPDatabase as rs200960874. This variant was not reported in population-based cohorts in the following databases: Database of Single Nucleotide Polymorphisms (dbSNP), NHLBI Exome Sequencing Project (ESP), and 1000 Genomes Project. In the ESP, this variant was not observed in 6496 samples (12992 alleles) with coverage at this position.This amino acid position is not well conserved in available vertebrate species. In addition, the in silico prediction for this alteration is inconclusive. Since supporting evidence is limited at this time, the clinical significance of this variant remains unclear.

NM_000020.3(ACVRL1):c.247G>A (p.Glu83Lys)

Gene: ACVRL1 (activin A receptor like type 1; plus strand). Cytogenetic location: 12q13.13.
Variant type: single nucleotide variant.
Coding change: c.247G>A on transcript NM_000020.3 (MANE Select); coding-DNA position 247, G replaced by A.
Protein change: p.Glu83Lys; replaces glutamic acid 83 with lysine.
Molecular consequence: missense variant.
Genome position (GRCh38, 1-based): chr12:51,913,284, G>A. VCF-style: chr12-51913284-G-A. GRCh37 (hg19) VCF-style: chr12-52307068-G-A.
Other names: c.247G>A, p.Glu83Lys (NM_001077401.2, NM_001406487.1, NM_001406488.1 and 6 more transcripts); short protein forms E83K.
Identifiers: ClinVar variation 1791899 (VCV001791899.6), dbSNP rs200960874, ClinGen allele CA6572841.
Genomic context (GRCh38, chr12:51,913,284, plus strand): 5'-CCCCAGGAACATCGGGGCTGCGGGAACTTGCACAGGGAGCTCTGCAGGGGGCGCCCCACC[G>A]AGTTCGTCAACCACTACTGCTGCGACAGCCACCTCTGCAACCACAACGTGTCCCTGGTGC-3'
Protein context (NP_000011.2, residues 73-93): HRELCRGRPT[Glu83Lys]FVNHYCCDSH